The following is an entry in ClinVar:

NM_031407.7(HUWE1):c.12602A>C (p.Glu4201Ala)

Gene: HUWE1 (HECT, UBA and WWE domain containing E3 ubiquitin protein ligase 1; minus strand). Cytogenetic location: Xp11.22.
Variant type: single nucleotide variant.
Coding change: c.12602A>C on transcript NM_031407.7 (MANE Select); coding-DNA position 12602, A replaced by C.
Protein change: p.Glu4201Ala; replaces glutamic acid 4201 with alanine.
Molecular consequence: missense variant.
Genome position (GRCh38, 1-based): chrX:53,535,431, T>G on the plus strand (A>C on the coding strand, the complement: HUWE1 is on the minus strand). VCF-style: chrX-53535431-T-G. GRCh37 (hg19) VCF-style: chrX-53562392-T-G.
Other names: short protein forms E4201A.
Identifiers: ClinVar variation 1701777 (VCV001701777.1), dbSNP rs2146826433, ClinGen allele CA413147823.

ClinVar aggregate classification (germline): Uncertain significance (1 of 4 stars; one submission).

Conditions:
Intellectual developmental disorder, X-linked, syndromic, Turner type. Also called: X-linked intellectual disability, Turner type; Intellectual disability, X-linked syndromic, Turner type. Identifiers: Orphanet 3056, Orphanet 85328, MedGen C2678046, MONDO:0010407, OMIM 309590.

Submission:

New York Genome Center
Classification: Uncertain significance for Intellectual developmental disorder, X-linked, syndromic, Turner type. Last evaluated: 2021-09-26. Review status: criteria provided, single submitter. Criteria: NYGC Assertion Criteria 2020. Collection method: clinical testing. Allele origin: germline. Observed: 1 hemizygote. Study: CSER-NYCKidSeq.
Comment: The c.12602A>C (p.Glu4201Ala) variant identified in the HUWE1 gene substitutes a well conserved Glutamic Acid for Alanine at amino acid 4201/4375 (exon 81/84). This variant is absent from gnomAD(v3.1) suggesting it is not a common benign variant in the populations represented in that database. In silico algorithms predict this variant to be Tolerated (SIFT; score:0.082) and Benign (REVEL; score:0.406) to the function of the canonical transcript. This variant is absent from ClinVar and to our current knowledge has not been reported in affected individuals in the literature. The p.Glu4201 is not within a mapped domain of HUWE1 (UniProtKB:Q7Z6Z7). Given the lack of compelling evidence for its pathogenicity, the c.12602A>C (p.Glu4201Ala) variant identified in the HUWE1 gene is reported as a Variant of Uncertain Significance.